The following is an entry in ClinVar:

NM_147191.1(MMP21):c.1038A>G (p.Gln346=)

Gene: MMP21 (matrix metallopeptidase 21; minus strand). Cytogenetic location: 10q26.2.
Variant type: single nucleotide variant.
Coding change: c.1038A>G on transcript NM_147191.1 (MANE Select); coding-DNA position 1038, A replaced by G.
Protein change: p.Gln346=; no amino-acid change (glutamine 346 retained).
Molecular consequence: synonymous variant.
Genome position (GRCh38, 1-based): chr10:125,770,533, T>C on the plus strand (A>G on the coding strand, the complement: MMP21 is on the minus strand). VCF-style: chr10-125770533-T-C. GRCh37 (hg19) VCF-style: chr10-127459102-T-C.
Identifiers: ClinVar variation 3036410 (VCV003036410.2), dbSNP rs759002305, ClinGen allele CA5738015.

ClinVar aggregate classification (germline): Likely benign (0 of 4 stars; one submission).

Conditions:
MMP21-related disorder. Also called: MMP21-related condition.

Allele frequency attached by ClinVar (database versions not stated): TOPMed 0.00001; gnomAD exomes 0.00002; ExAC 0.00004.

Submission:

PreventionGenetics, part of Exact Sciences
Classification: Likely benign for MMP21-related condition. Last evaluated: 2022-12-27. Review status: no assertion criteria provided. Collection method: clinical testing. Allele origin: germline.
Comment: This variant is classified as likely benign based on ACMG/AMP sequence variant interpretation guidelines (Richards et al. 2015 PMID: 25741868, with internal and published modifications).